The following is an entry in ClinVar:

ClinVar aggregate classification (germline): Benign. Review status: criteria provided, multiple submitters, no conflicts (2 of 4 stars). 5 submissions from 5 submitters: Benign (4). 1 of the submissions does not count toward it. Last evaluated 2026-08-01.

Conditions:
TUBB1-related disorder. Also called: TUBB1-related condition.

Allele frequency attached by ClinVar (database versions not stated): gnomAD exomes 0.00069 and 0.00182; ExAC 0.00217; gnomAD 0.00725 and 0.00775; 1000 Genomes Project 0.00739; 1000 Genomes Project 30x 0.00750; TOPMed 0.00794; ESP Exome Variant Server 0.00853.

Submissions (5):

CeGaT Center for Human Genetics Tuebingen
Classification: Benign. Last evaluated: 2026-08-01. Review status: criteria provided, single submitter. Criteria: CeGaT Center For Human Genetics Tuebingen Variant Classification Criteria Version 2. Collection method: clinical testing. Allele origin: germline. Affected: yes. Observed: 1 variant allele.
Comment: TUBB1: BS1, BS2

Labcorp Genetics (formerly Invitae), Labcorp
Classification: Benign. Last evaluated: 2026-01-21. Review status: criteria provided, single submitter. Criteria: Invitae Variant Classification Sherloc (09022015). Collection method: clinical testing. Allele origin: germline.

Mayo Clinic Laboratories, Mayo Clinic
Classification: Benign. Last evaluated: 2023-11-06. Review status: criteria provided, single submitter. Criteria: ACMG Guidelines, 2015. Collection method: clinical testing. Allele origin: germline. Observed: 6 variant alleles.
Comment: BS1, BS2

Breakthrough Genomics
Classification: Benign. Review status: criteria provided, single submitter. Criteria: ACMG Guidelines, 2015. Collection method: not provided. Allele origin: germline. Inheritance: Autosomal dominant inheritance. Affected: yes.

PreventionGenetics, part of Exact Sciences
Classification: Likely benign for TUBB1-related condition. Last evaluated: 2020-02-18. Review status: no assertion criteria provided. Collection method: clinical testing. Allele origin: germline. Not counted in ClinVar's aggregate classification.
Comment: This variant is classified as likely benign based on ACMG/AMP sequence variant interpretation guidelines (Richards et al. 2015 PMID: 25741868, with internal and published modifications).

NM_030773.4(TUBB1):c.1045G>A (p.Val349Ile)

Gene: TUBB1 (tubulin beta 1 class VI; plus strand). Cytogenetic location: 20q13.32.
Variant type: single nucleotide variant.
Coding change: c.1045G>A on transcript NM_030773.4 (MANE Select); coding-DNA position 1045, G replaced by A.
Protein change: p.Val349Ile; replaces valine 349 with isoleucine.
Molecular consequence: missense variant.
Genome position (GRCh38, 1-based): chr20:59,024,472, G>A. VCF-style: chr20-59024472-G-A. GRCh37 (hg19) VCF-style: chr20-57599527-G-A.
Other names: p.Val349Ile; short protein forms V349I.
Identifiers: ClinVar variation 724372 (VCV000724372.14), dbSNP rs115253190, ClinGen allele CA9928644.